The following is an entry in ClinVar:

NM_004006.3(DMD):c.4633G>A (p.Val1545Ile)

Gene: DMD (dystrophin; minus strand). Cytogenetic location: Xp21.1.
Variant type: single nucleotide variant.
Coding change: c.4633G>A on transcript NM_004006.3 (MANE Select); coding-DNA position 4633, G replaced by A.
Protein change: p.Val1545Ile; replaces valine 1545 with isoleucine.
Molecular consequence: missense variant.
Genome position (GRCh38, 1-based): chrX:32,386,351, C>T on the plus strand (G>A on the coding strand, the complement: DMD is on the minus strand). VCF-style: chrX-32386351-C-T. GRCh37 (hg19) VCF-style: chrX-32404468-C-T.
Other names: c.4609G>A, p.Val1537Ile (NM_000109.4); c.4621G>A, p.Val1541Ile (NM_004009.3); c.4264G>A, p.Val1422Ile (NM_004010.3); c.610G>A, p.Val204Ile (NM_004011.4); c.601G>A, p.Val201Ile (NM_004012.4); short protein forms V1545I, V201I, V1422I, V1537I, V1541I, V204I.
Identifiers: ClinVar variation 1742055 (VCV001742055.3), dbSNP rs2523041067, ClinGen allele CA412662557.

ClinVar aggregate classification (germline): Uncertain significance. Review status: criteria provided, multiple submitters, no conflicts (2 of 4 stars). 2 submissions from 2 submitters: Uncertain significance (2). Last evaluated 2022-05-27.

Conditions:
Cardiovascular phenotype. Identifiers: MedGen CN230736.

Allele frequency attached by ClinVar (database versions not stated): gnomAD exomes below 0.00001.
gnomAD v4.1: 1 of 1,209,529 alleles (0.000083%); highest among the groups gnomAD compares: Non-Finnish European, 0.00011%; no homozygotes.

Submissions (2):

Clinical Genetics Laboratory, Skane University Hospital Lund
Classification: Uncertain significance. Last evaluated: 2022-05-27. Review status: criteria provided, single submitter. Criteria: ACMG Guidelines, 2015. Collection method: clinical testing. Allele origin: germline. Affected: yes.

Ambry Genetics
Classification: Uncertain significance for Cardiovascular phenotype. Last evaluated: 2021-06-30. Review status: criteria provided, single submitter. Criteria: Ambry Variant Classification Scheme 2023. Collection method: clinical testing. Allele origin: germline.
Comment: The p.V1545I variant (also known as c.4633G>A), located in coding exon 33 of the DMD gene, results from a G to A substitution at nucleotide position 4633. The valine at codon 1545 is replaced by isoleucine, an amino acid with highly similar properties. This amino acid position is poorly conserved in available vertebrate species. In addition, this alteration is predicted to be tolerated by in silico analysis. Since supporting evidence is limited at this time, the clinical significance of this alteration remains unclear.